The following is an entry in ClinVar:

ClinVar aggregate classification (germline): Uncertain significance (1 of 4 stars; one submission).

Conditions:
Hereditary cancer-predisposing syndrome. Also called: Neoplastic Syndromes, Hereditary; Tumor predisposition; Hereditary Cancer Syndrome; Hereditary neoplastic syndrome. Identifiers: Orphanet 140162, MedGen C0027672, MeSH D009386, MONDO:0015356.

Submission:

Ambry Genetics
Classification: Uncertain significance for Hereditary cancer-predisposing syndrome. Last evaluated: 2022-10-27. Review status: criteria provided, single submitter. Criteria: Ambry Variant Classification Scheme 2023. Collection method: clinical testing. Allele origin: germline.
Comment: The p.D1222Y variant (also known as c.3664G>T), located in coding exon 30 of the TSC2 gene, results from a G to T substitution at nucleotide position 3664. The aspartic acid at codon 1222 is replaced by tyrosine, an amino acid with highly dissimilar properties. This amino acid position is conserved. In addition, this alteration is predicted to be deleterious by in silico analysis. Since supporting evidence is limited at this time, the clinical significance of this alteration remains unclear.

NM_000548.5(TSC2):c.3664G>T (p.Asp1222Tyr)

Gene: TSC2 (TSC complex subunit 2; plus strand). Cytogenetic location: 16p13.3.
Variant type: single nucleotide variant.
Coding change: c.3664G>T on transcript NM_000548.5 (MANE Select); coding-DNA position 3664, G replaced by T.
Protein change: p.Asp1222Tyr; replaces aspartic acid 1222 with tyrosine.
Molecular consequence: missense variant.
Genome position (GRCh38, 1-based): chr16:2,081,648, G>T. VCF-style: chr16-2081648-G-T. GRCh37 (hg19) VCF-style: chr16-2131649-G-T.
Other names: c.3532G>T, p.Asp1178Tyr (NM_001077183.3, NM_001370404.1, NM_001406665.1); c.3664G>T, p.Asp1222Tyr (NM_001114382.3); c.3424G>T, p.Asp1142Tyr (NM_001318827.2); c.3388G>T, p.Asp1130Tyr (NM_001318829.2); c.2932G>T, p.Asp978Tyr (NM_001318831.2, NM_001406687.1, NM_001406688.1); c.3565G>T, p.Asp1189Tyr (NM_001318832.2); c.3535G>T, p.Asp1179Tyr (NM_001363528.2, NM_001370405.1, NM_021055.3); c.3661G>T, p.Asp1221Tyr (NM_001406663.1, NM_001406664.1); and 18 more; short protein forms D1141Y, D1142Y, D1159Y, D1175Y, D1178Y, D1221Y, D978Y, D1022Y.
Identifiers: ClinVar variation 1733712 (VCV001733712.2), dbSNP rs776157698, ClinGen allele CA394292119.